The following is an entry in ClinVar:

ClinVar aggregate classification (germline): Uncertain significance (1 of 4 stars; one submission).

Conditions:
Werner syndrome (WRN). Identifiers: Orphanet 902, MedGen C0043119, MONDO:0010196, OMIM 277700.

Allele frequency attached by ClinVar (database versions not stated): gnomAD exomes 0.00001; ExAC 0.00002.
gnomAD v4.1: 3 of 1,613,284 alleles (0.00019%); highest among the groups gnomAD compares: Admixed American, 0.0033%; no homozygotes.

Submission:

Labcorp Genetics (formerly Invitae), Labcorp
Classification: Uncertain significance for Werner syndrome. Last evaluated: 2023-07-24. Review status: criteria provided, single submitter. Criteria: Invitae Variant Classification Sherloc (09022015). Collection method: clinical testing. Allele origin: germline.
Comment: In summary, the available evidence is currently insufficient to determine the role of this variant in disease. Therefore, it has been classified as a Variant of Uncertain Significance. An algorithm developed to predict the effect of missense changes on protein structure and function (PolyPhen-2) suggests that this variant is likely to be tolerated. ClinVar contains an entry for this variant (Variation ID: 1026337). This variant has not been reported in the literature in individuals affected with WRN-related conditions. This variant is present in population databases (rs773546749, gnomAD 0.006%). This sequence change replaces glutamic acid, which is acidic and polar, with lysine, which is basic and polar, at codon 423 of the WRN protein (p.Glu423Lys).

NM_000553.6(WRN):c.1267G>A (p.Glu423Lys)

Gene: WRN (WRN RecQ like helicase; plus strand). Cytogenetic location: 8p12.
Variant type: single nucleotide variant.
Coding change: c.1267G>A on transcript NM_000553.6 (MANE Select); coding-DNA position 1267, G replaced by A.
Protein change: p.Glu423Lys; replaces glutamic acid 423 with lysine.
Molecular consequence: missense variant.
Genome position (GRCh38, 1-based): chr8:31,081,294, G>A. VCF-style: chr8-31081294-G-A. GRCh37 (hg19) VCF-style: chr8-30938810-G-A.
Other names: short protein forms E423K.
Identifiers: ClinVar variation 1026337 (VCV001026337.5), dbSNP rs773546749, ClinGen allele CA4704279.
Genomic context (GRCh38, chr8:31,081,294, plus strand): 5'-CAAATTTTGGAACAGCAGTCTCAGGAAGAATATCTTAGTGATATTGCTTATAAATCTACT[G>A]AGGTACTAAATAAAGAGGAAGCACATTTTTAGTTATTAGTAGGTTCTGGCAGACTTTATT-3'
Protein context (NP_000544.2, residues 413-433): YLSDIAYKST[Glu423Lys]HLSPNDNEND